The following is an entry in ClinVar:

ClinVar aggregate classification (germline): Uncertain significance (1 of 4 stars; one submission).

gnomAD v4.1: 3 of 1,607,060 alleles (0.00019%); highest among the groups gnomAD compares: African/African-American, 0.0027%; no homozygotes.

Submission:

GeneDx
Classification: Uncertain significance. Last evaluated: 2022-12-28. Review status: criteria provided, single submitter. Criteria: GeneDx Variant Classification Process June 2021. Collection method: clinical testing. Allele origin: germline. Affected: yes.
Comment: Not observed at significant frequency in large population cohorts (gnomAD); In silico analysis supports that this missense variant has a deleterious effect on protein structure/function; Has not been previously published as pathogenic or benign to our knowledge

NM_001128228.3(TPRN):c.1259C>G (p.Pro420Arg)

Gene: TPRN (taperin; minus strand). Cytogenetic location: 9q34.3.
Variant type: single nucleotide variant.
Coding change: c.1259C>G on transcript NM_001128228.3 (MANE Select); coding-DNA position 1259, C replaced by G.
Protein change: p.Pro420Arg; replaces proline 420 with arginine.
Molecular consequence: missense variant.
Genome position (GRCh38, 1-based): chr9:137,199,453, G>C on the plus strand (C>G on the coding strand, the complement: TPRN is on the minus strand). VCF-style: chr9-137199453-G-C. GRCh37 (hg19) VCF-style: chr9-140093905-G-C.
Other names: short protein forms P420R.
Identifiers: ClinVar variation 2507270 (VCV002507270.1), dbSNP rs146437238, ClinGen allele CA375777051.
Genomic context (GRCh38, chr9:137,199,453, plus strand): 5'-CCAGGAACCCTGAGGCCCTCAGCAGGCTCAGCTTCTTCCGAAGCAGCCGGCAGGAAGGGG[G>C]GCGGTGAGGACGGCCTCTGCCACCTAATAGCCCGGTCAGCGAGGGCGGTGGCTGTCCTGG-3'
Protein context (NP_001121700.2, residues 410-430): AIRWQRPSSP[Pro420Arg]PFLPAASEEA